The following is an entry in ClinVar:

ClinVar aggregate classification (germline): Uncertain significance (1 of 4 stars; one submission).

Conditions:
Thrombophilia due to protein S deficiency, autosomal recessive (THPH6). Identifiers: Orphanet 743, MedGen C3281092, MONDO:0013791, OMIM 614514. Disease mechanism: loss of function.

Submission:

Labcorp Genetics (formerly Invitae), Labcorp
Classification: Uncertain significance for Thrombophilia due to protein S deficiency, autosomal recessive. Last evaluated: 2018-05-03. Review status: criteria provided, single submitter. Criteria: Invitae Variant Classification Sherloc (09022015). Collection method: clinical testing. Allele origin: germline.
Comment: This sequence change replaces glycine with arginine at codon 222 of the PROS1 protein (p.Gly222Arg). The glycine residue is highly conserved and there is a moderate physicochemical difference between glycine and arginine. In summary, the available evidence is currently insufficient to determine the role of this variant in disease. Therefore, it has been classified as a Variant of Uncertain Significance. Algorithms developed to predict the effect of missense changes on protein structure and function (SIFT, PolyPhen-2, Align-GVGD) all suggest that this variant is likely to be disruptive, but these predictions have not been confirmed by published functional studies and their clinical significance is uncertain. This variant has not been reported in the literature in individuals with PROS1-related disease. This variant is not present in population databases (ExAC no frequency).

NM_000313.4(PROS1):c.664G>C (p.Gly222Arg)

Gene: PROS1 (protein S; minus strand). Cytogenetic location: 3q11.1.
Variant type: single nucleotide variant.
Coding change: c.664G>C on transcript NM_000313.4 (MANE Select); coding-DNA position 664, G replaced by C.
Protein change: p.Gly222Arg; replaces glycine 222 with arginine.
Molecular consequence: missense variant.
Genome position (GRCh38, 1-based): chr3:93,900,867, C>G on the plus strand (G>C on the coding strand, the complement: PROS1 is on the minus strand). VCF-style: chr3-93900867-C-G. GRCh37 (hg19) VCF-style: chr3-93619711-C-G.
Other names: c.760G>C, p.Gly254Arg (NM_001314077.2); short protein forms G222R, G254R.
Identifiers: ClinVar variation 577721 (VCV000577721.5), dbSNP rs1559933951, ClinGen allele CA353673208.